The following is an entry in ClinVar:

NM_001080467.3(MYO5B):c.5369C>T (p.Thr1790Ile)

Genes: MYO5B (myosin VB; minus strand), SNHG22 (small nucleolar RNA host gene 22; plus strand). Cytogenetic location: 18q21.1.
Variant type: single nucleotide variant.
Coding change: c.5369C>T on transcript NM_001080467.3 (MANE Select); coding-DNA position 5369, C replaced by T.
Protein change: p.Thr1790Ile; replaces threonine 1790 with isoleucine.
Molecular consequence: missense variant.
Genome position (GRCh38, 1-based): chr18:49,835,369, G>A on the plus strand (C>T on the coding strand, the complement: MYO5B is on the minus strand). VCF-style: chr18-49835369-G-A. GRCh37 (hg19) VCF-style: chr18-47361739-G-A.
Other names: c.5369C>T (NM_001080467.2); short protein forms T1790I.
Identifiers: ClinVar variation 1443194 (VCV001443194.6), dbSNP rs374025628, ClinGen allele CA8960070.

ClinVar aggregate classification (germline): Uncertain significance. Review status: criteria provided, multiple submitters, no conflicts (2 of 4 stars). 3 submissions from 3 submitters: Uncertain significance (3). Last evaluated 2025-11-06.

Conditions:
Inborn genetic diseases. Identifiers: MedGen C0950123, MeSH D030342.
MYO5B-related disorder. Also called: MYO5B-related condition.

Allele frequency attached by ClinVar (database versions not stated): ExAC 0.00017; gnomAD 0.00019 and 0.00020; ESP Exome Variant Server 0.00009; TOPMed 0.00009; gnomAD exomes 0.00011 and 0.00015.
gnomAD v4.1: 190 of 1,611,650 alleles (0.012%); highest among the groups gnomAD compares: Non-Finnish European, 0.015%; no homozygotes.

Submissions (3):

Ambry Genetics
Classification: Uncertain significance for Inborn genetic diseases. Last evaluated: 2025-11-06. Review status: criteria provided, single submitter. Criteria: Ambry Variant Classification Scheme 2023. Collection method: clinical testing. Allele origin: germline.

PreventionGenetics, part of Exact Sciences
Classification: Uncertain significance for MYO5B-related condition. Last evaluated: 2025-09-10. Review status: criteria provided, single submitter. Criteria: ACMG Guidelines, 2015. Collection method: clinical testing. Allele origin: germline.
Comment: The MYO5B c.5369C>T variant is predicted to result in the amino acid substitution p.Thr1790Ile. To our knowledge, this variant has not been reported in the literature. This variant is reported in 0.044% of alleles in individuals of European (Non-Finnish) descent in gnomAD. At this time, the clinical significance of this variant is uncertain due to the absence of conclusive functional and genetic evidence.

Labcorp Genetics (formerly Invitae), Labcorp
Classification: Uncertain significance. Last evaluated: 2025-01-11. Review status: criteria provided, single submitter. Criteria: Invitae Variant Classification Sherloc (09022015). Collection method: clinical testing. Allele origin: germline.
Comment: This sequence change replaces threonine, which is neutral and polar, with isoleucine, which is neutral and non-polar, at codon 1790 of the MYO5B protein (p.Thr1790Ile). This variant is present in population databases (rs374025628, gnomAD 0.05%). This variant has not been reported in the literature in individuals affected with MYO5B-related conditions. ClinVar contains an entry for this variant (Variation ID: 1443194). Invitae Evidence Modeling of protein sequence and biophysical properties (such as structural, functional, and spatial information, amino acid conservation, physicochemical variation, residue mobility, and thermodynamic stability) indicates that this missense variant is not expected to disrupt MYO5B protein function with a negative predictive value of 80%. In summary, the available evidence is currently insufficient to determine the role of this variant in disease. Therefore, it has been classified as a Variant of Uncertain Significance.